The following is an entry in ClinVar:

NM_006946.4(SPTBN2):c.968A>G (p.Gln323Arg)

Gene: SPTBN2 (spectrin beta, non-erythrocytic 2; minus strand). Cytogenetic location: 11q13.2.
Variant type: single nucleotide variant.
Coding change: c.968A>G on transcript NM_006946.4 (MANE Select); coding-DNA position 968, A replaced by G.
Protein change: p.Gln323Arg; replaces glutamine 323 with arginine.
Molecular consequence: missense variant.
Genome position (GRCh38, 1-based): chr11:66,710,687, T>C on the plus strand (A>G on the coding strand, the complement: SPTBN2 is on the minus strand). VCF-style: chr11-66710687-T-C. GRCh37 (hg19) VCF-style: chr11-66478158-T-C.
Other names: short protein forms Q323R.
Identifiers: ClinVar variation 305593 (VCV000305593.24), dbSNP rs190532690, ClinGen allele CA6129515.

ClinVar aggregate classification (germline): Conflicting classifications of pathogenicity. Review status: criteria provided, conflicting classifications (1 of 4 stars). 4 submissions from 4 submitters: Uncertain significance (2); Likely benign (2). Last evaluated 2026-07-01.

Conditions:
Inborn genetic diseases. Identifiers: MedGen C0950123, MeSH D030342.

Allele frequency attached by ClinVar (database versions not stated): gnomAD exomes 0.00007; ExAC 0.00008; ESP Exome Variant Server 0.00008; TOPMed 0.00008; gnomAD 0.00010; 1000 Genomes Project 30x 0.00016; 1000 Genomes Project 0.00020.
gnomAD v4.1: 149 of 1,614,186 alleles (0.0092%); highest among the groups gnomAD compares: Admixed American, 0.015%; no homozygotes.

Submissions (4):

CeGaT Center for Human Genetics Tuebingen
Classification: Uncertain significance. Last evaluated: 2026-07-01. Review status: criteria provided, single submitter. Criteria: CeGaT Center For Human Genetics Tuebingen Variant Classification Criteria Version 2. Collection method: clinical testing. Allele origin: germline. Affected: yes. Observed: 2 variant alleles.
Comment: SPTBN2: PM2

Labcorp Genetics (formerly Invitae), Labcorp
Classification: Likely benign. Last evaluated: 2025-07-27. Review status: criteria provided, single submitter. Criteria: Invitae Variant Classification Sherloc (09022015). Collection method: clinical testing. Allele origin: germline.

Ambry Genetics
Classification: Uncertain significance for Inborn genetic diseases. Last evaluated: 2025-03-20. Review status: criteria provided, single submitter. Criteria: Ambry Variant Classification Scheme 2023. Collection method: clinical testing. Allele origin: germline.

Athena Diagnostics
Classification: Likely benign. Last evaluated: 2018-11-19. Review status: criteria provided, single submitter. Criteria: Athena Diagnostics Criteria. Collection method: clinical testing. Allele origin: germline.